The following is an entry in ClinVar:

NM_003006.4(SELPLG):c.913G>A (p.Val305Ile)

Gene: SELPLG (selectin P ligand; minus strand). Cytogenetic location: 12q24.11.
Variant type: single nucleotide variant.
Coding change: c.913G>A on transcript NM_003006.4 (MANE Select); coding-DNA position 913, G replaced by A.
Protein change: p.Val305Ile; replaces valine 305 with isoleucine.
Molecular consequence: missense variant.
Genome position (GRCh38, 1-based): chr12:108,623,395, C>T on the plus strand (G>A on the coding strand, the complement: SELPLG is on the minus strand). VCF-style: chr12-108623395-C-T. GRCh37 (hg19) VCF-style: chr12-109017171-C-T.
Other names: c.961G>A, p.Val321Ile (NM_001206609.2); short protein forms V305I, V321I.
Identifiers: ClinVar variation 3057867 (VCV003057867.2), dbSNP rs147978597, ClinGen allele CA6769227.
Genomic context (GRCh38, chr12:108,623,395, plus strand): 5'-GGATGGCCAGCAGGCACTGCTTCACAGAGATGTGGTCTGGGGCCCCCACTGGGTAGTTGA[C>T]GGACAAATTGCTGGCTGCCATGGGAATGCCCTTGTGAGTAACAGAGGACACAGAAAAGGG-3'
Protein context (NP_002997.2, residues 295-315): GIPMAASNLS[Val305Ile]NYPVGAPDHI

ClinVar aggregate classification (germline): Likely benign (0 of 4 stars; one submission).

Conditions:
SELPLG-related disorder. Also called: SELPLG-related condition.

Allele frequency attached by ClinVar (database versions not stated): TOPMed 0.00009; ESP Exome Variant Server 0.00023; gnomAD 0.00030; gnomAD exomes 0.00041; ExAC 0.00104; 1000 Genomes Project 30x 0.00203; 1000 Genomes Project 0.00240.
gnomAD v4.1: 646 of 1,614,248 alleles (0.04%); highest among the groups gnomAD compares: South Asian, 0.61%; 9 homozygotes.

Submission:

PreventionGenetics, part of Exact Sciences
Classification: Likely benign for SELPLG-related condition. Last evaluated: 2021-01-11. Review status: no assertion criteria provided. Collection method: clinical testing. Allele origin: germline.
Comment: This variant is classified as likely benign based on ACMG/AMP sequence variant interpretation guidelines (Richards et al. 2015 PMID: 25741868, with internal and published modifications).